The following is an entry in ClinVar:

ClinVar aggregate classification (germline): Uncertain significance (1 of 4 stars; one submission).

Conditions:
Hereditary cancer-predisposing syndrome. Also called: Neoplastic Syndromes, Hereditary; Tumor predisposition; Hereditary neoplastic syndrome; Hereditary Cancer Syndrome. Identifiers: Orphanet 140162, MedGen C0027672, MeSH D009386, MONDO:0015356.

Submission:

Ambry Genetics
Classification: Uncertain significance for Hereditary cancer-predisposing syndrome. Last evaluated: 2024-01-29. Review status: criteria provided, single submitter. Criteria: Ambry Variant Classification Scheme 2023. Collection method: clinical testing. Allele origin: germline.
Comment: The p.L319F variant (also known as c.955C>T), located in coding exon 5 of the RET gene, results from a C to T substitution at nucleotide position 955. The leucine at codon 319 is replaced by phenylalanine, an amino acid with highly similar properties. This amino acid position is conserved. In addition, this alteration is predicted to be tolerated by in silico analysis. Based on the available evidence, the clinical significance of this alteration remains unclear.

NM_020975.6(RET):c.955C>T (p.Leu319Phe)

Gene: RET (ret proto-oncogene; plus strand). Cytogenetic location: 10q11.21.
Variant type: single nucleotide variant.
Coding change: c.955C>T on transcript NM_020975.6 (MANE Select); coding-DNA position 955, C replaced by T.
Protein change: p.Leu319Phe; replaces leucine 319 with phenylalanine.
Molecular consequence: missense variant. On other transcripts: intron variant (25).
Genome position (GRCh38, 1-based): chr10:43,106,463, C>T. VCF-style: chr10-43106463-C-T. GRCh37 (hg19) VCF-style: chr10-43601911-C-T.
Other names: c.496+3834C>T (NM_001406783.1, NM_001406786.1); c.338-2568C>T (NM_001406778.1, NM_001406775.1, NM_001406776.1 and 1 more transcripts); c.338-5636C>T (NM_001406790.1, NM_001406788.1, NM_001406789.1 and 1 more transcripts); c.74-2568C>T (NM_001406784.1); c.74-5636C>T (NM_001406794.1, NM_001406792.1, NM_001406793.1); c.955C>T, p.Leu319Phe (NM_000323.2, NM_001406743.1, NM_001406744.1 and 6 more transcripts); c.193C>T, p.Leu65Phe (NM_001355216.2); c.826C>T, p.Leu276Phe (NM_001406761.1, NM_001406762.1, NM_001406764.1 and 1 more transcripts); and 5 more; short protein forms L223F, L276F, L319F, L65F.
Identifiers: ClinVar variation 3227575 (VCV003227575.1), dbSNP rs2538403880, ClinGen allele CA376546085.